The following is an entry in ClinVar:

NM_002878.4(RAD51D):c.480G>A (p.Gln160=)

Genes: RAD51D (RAD51 paralog D; minus strand), RAD51L3-RFFL (RAD51L3-RFFL readthrough; minus strand). Cytogenetic location: 17q12.
Variant type: single nucleotide variant.
Coding change: c.480G>A on transcript NM_002878.4 (MANE Select); coding-DNA position 480, G replaced by A.
Protein change: p.Gln160=; no amino-acid change (glutamine 160 retained).
Molecular consequence: synonymous variant. On other transcripts: non-coding transcript variant (1), intron variant (1).
Genome position (GRCh38, 1-based): chr17:35,106,988, C>T on the plus strand (G>A on the coding strand, the complement: RAD51D is on the minus strand). VCF-style: chr17-35106988-C-T. GRCh37 (hg19) VCF-style: chr17-33434007-C-T.
Other names: c.540G>A, p.Gln180= (NM_001142571.2); c.145-507G>A (NM_133629.3).
Identifiers: ClinVar variation 4862941 (VCV004862941.1).

ClinVar aggregate classification (germline): Uncertain significance (1 of 4 stars; one submission).

Conditions:
Hereditary cancer-predisposing syndrome. Also called: Neoplastic Syndromes, Hereditary; Tumor predisposition; Hereditary Cancer Syndrome; Hereditary neoplastic syndrome. Identifiers: Orphanet 140162, MedGen C0027672, MeSH D009386, MONDO:0015356.

Submission:

Ambry Genetics
Classification: Uncertain significance for Hereditary cancer-predisposing syndrome. Last evaluated: 2026-05-01. Review status: criteria provided, single submitter. Criteria: Ambry Variant Classification Scheme 2023. Collection method: clinical testing. Allele origin: germline.
Comment: The c.480G>A variant (also known as p.Q160Q), located in coding exon 5 of the RAD51D gene, results from a G to A substitution at nucleotide position 480. This nucleotide substitution does not change the at codon 160. However, this change occurs in the last base pair of coding exon 5, which makes it likely to have some effect on normal mRNA splicing. This nucleotide position is highly conserved in available vertebrate species. In silico splice site analysis predicts that this alteration will weaken the native splice donor site; however, direct evidence is insufficient at this time (Ambry internal data). Based on the available evidence, the clinical significance of this variant remains unclear.